The following is an entry in ClinVar:

NM_000540.3(RYR1):c.11933G>C (p.Ser3978Thr)

Gene: RYR1 (ryanodine receptor 1; plus strand). Cytogenetic location: 19q13.2.
Variant type: single nucleotide variant.
Coding change: c.11933G>C on transcript NM_000540.3 (MANE Select); coding-DNA position 11933, G replaced by C.
Protein change: p.Ser3978Thr; replaces serine 3978 with threonine.
Molecular consequence: missense variant.
Genome position (GRCh38, 1-based): chr19:38,543,796, G>C. VCF-style: chr19-38543796-G-C. GRCh37 (hg19) VCF-style: chr19-39034436-G-C.
Other names: c.11918G>C, p.Ser3973Thr (NM_001042723.2); short protein forms S3973T, S3978T.
Identifiers: ClinVar variation 3074410 (VCV003074410.2), dbSNP rs1306810631, ClinGen allele CA405662792.

ClinVar aggregate classification (germline): Uncertain significance (1 of 4 stars; one submission).

Conditions:
Malignant hyperthermia, susceptibility to, 1 (MHS1). Also called: Anesthesia related hyperthermia; Malignant hyperpyrexia; Fulminating hyperpyrexia; Pharmacogenic myopathy; RYR1-Related Malignant Hyperthermia Susceptibility; Malignant hyperthermia suceptibility 1. Identifiers: Orphanet 423, MedGen C2930980, MONDO:0007783, OMIM 145600.

Allele frequency attached by ClinVar (database versions not stated): gnomAD exomes below 0.00001; TOPMed below 0.00001; gnomAD 0.00001.
gnomAD v4.1: 2 of 1,613,602 alleles (0.00012%); highest among the groups gnomAD compares: Non-Finnish European, 0.00017%; no homozygotes.

Submission:

All of Us Research Program, National Institutes of Health
Classification: Uncertain significance for Malignant hyperthermia, susceptibility to, 1. Last evaluated: 2024-05-09. Review status: criteria provided, single submitter. Criteria: ACMG Guidelines, 2015. Collection method: clinical testing. Allele origin: germline. Inheritance: Autosomal dominant inheritance. Observed: 2 variant alleles, 2 heterozygotes.
Comment: This missense variant replaces serine with threonine at codon 3978 of the RYR1 protein. Computational prediction is inconclusive regarding the impact of this variant on protein structure and function (internally defined REVEL score threshold 0.5 < inconclusive < 0.7, PMID: 27666373). To our knowledge, functional studies have not been reported for this variant. This variant has not been reported in individuals affected with RYR1-related disorders in the literature. This variant has not been identified in the general population by the Genome Aggregation Database (gnomAD). The available evidence is insufficient to determine the role of this variant in disease conclusively. Therefore, this variant is classified as a Variant of Uncertain Significance.

This study involves interpretation of variants in research participants for the purpose of population health screening. Participant phenotype was not available at the time of variant classification. Additional details can be found in publication PMID: 35346344, PMCID: PMC8962531